The following is an entry in ClinVar:

NM_000321.3(RB1):c.1960+3T>C

Gene: RB1 (RB transcriptional corepressor 1; plus strand). Cytogenetic location: 13q14.2.
Variant type: single nucleotide variant.
Coding change: c.1960+3T>C on transcript NM_000321.3 (MANE Select); 3 bases into the intron after coding-DNA position 1960, T replaced by C.
Molecular consequence: intron variant.
Genome position (GRCh38, 1-based): chr13:48,456,352, T>C. VCF-style: chr13-48456352-T-C. GRCh37 (hg19) VCF-style: chr13-49030488-T-C.
Identifiers: ClinVar variation 962095 (VCV000962095.9), dbSNP rs1949360348, ClinGen allele CA1139663309.
Genomic context (GRCh38, chr13:48,456,352, plus strand): 5'-GCCTTCCAGACCCAGAAGCCATTGAAATCTACCTCTCTTTCACTGTTTTATAAAAAAGGT[T>C]AGTAGATGATTATTTTCAAGAGCATGGACTCTGAAACTAGGCTGACTGGGTTCAAATCAT-3'

ClinVar aggregate classification (germline): Uncertain significance (1 of 4 stars; one submission).

Conditions:
Retinoblastoma (RB1). Also called: RETINOBLASTOMA, SOMATIC. Identifiers: Orphanet 790, MedGen C0035335, MeSH D012175, MONDO:0008380, OMIM 180200, HP:0009919. Disease mechanism: loss of function. Inheritance: Both sporadic and heritable forms are tested..

Submission:

Labcorp Genetics (formerly Invitae), Labcorp
Classification: Uncertain significance for Retinoblastoma. Last evaluated: 2019-11-11. Review status: criteria provided, single submitter. Criteria: Invitae Variant Classification Sherloc (09022015). Collection method: clinical testing. Allele origin: germline.
Comment: This variant has not been reported in the literature in individuals with RB1-related conditions. This variant is not present in population databases (ExAC no frequency). This sequence change falls in intron 19 of the RB1 gene. It does not directly change the encoded amino acid sequence of the RB1 protein, but it affects a nucleotide within the consensus splice site of the intron. Nucleotide substitutions within the consensus splice site are a relatively common cause of aberrant splicing (PMID: 17576681, 9536098). Algorithms developed to predict the effect of sequence changes on RNA splicing suggest that this variant is not likely to affect RNA splicing, but this prediction has not been confirmed by published transcriptional studies. In summary, the available evidence is currently insufficient to determine the role of this variant in disease. Therefore, it has been classified as a Variant of Uncertain Significance.

Literature cited by the submitters: PubMed 17576681; PubMed 9536098.